The following is an entry in ClinVar:

NM_001042492.3(NF1):c.7046G>T (p.Arg2349Leu)

Gene: NF1 (neurofibromin 1; plus strand). Cytogenetic location: 17q11.2.
Variant type: single nucleotide variant.
Coding change: c.7046G>T on transcript NM_001042492.3 (MANE Select); coding-DNA position 7046, G replaced by T.
Protein change: p.Arg2349Leu; replaces arginine 2349 with leucine.
Molecular consequence: missense variant.
Genome position (GRCh38, 1-based): chr17:31,340,629, G>T. VCF-style: chr17-31340629-G-T. GRCh37 (hg19) VCF-style: chr17-29667647-G-T.
Other names: c.6983G>T, p.Arg2328Leu (NM_000267.4); short protein forms R2328L, R2349L.
Identifiers: ClinVar variation 457817 (VCV000457817.13), dbSNP rs864622065, ClinGen allele CA289390348.

ClinVar aggregate classification (germline): Conflicting classifications of pathogenicity. Review status: criteria provided, conflicting classifications (1 of 4 stars). 3 submissions from 3 submitters: Uncertain significance (2); Benign (1). Last evaluated 2025-10-13.

Conditions:
Cardiovascular phenotype. Identifiers: MedGen CN230736.
Hereditary cancer-predisposing syndrome. Also called: Hereditary Cancer Syndrome; Hereditary neoplastic syndrome; Tumor predisposition; Neoplastic Syndromes, Hereditary. Identifiers: Orphanet 140162, MedGen C0027672, MeSH D009386, MONDO:0015356.
Neurofibromatosis, type 1 (NF1). Also called: VON RECKLINGHAUSEN DISEASE; NEUROFIBROMATOSIS, TYPE I, SOMATIC; Peripheral type neurofibromatosis; Neurofibromatosis, type I. Identifiers: Orphanet 636, MedGen C0027831, MONDO:0018975, OMIM 162200. Disease mechanism: loss of function.

gnomAD v4.1: 5 of 1,613,944 alleles (0.00031%); highest among the groups gnomAD compares: East Asian, 0.0089%; no homozygotes.

Submissions (3):

Labcorp Genetics (formerly Invitae), Labcorp
Classification: Benign for Neurofibromatosis, type 1. Last evaluated: 2025-10-13. Review status: criteria provided, single submitter. Criteria: Invitae Variant Classification Sherloc (09022015). Collection method: clinical testing. Allele origin: germline.

Ambry Genetics
Classification: Uncertain significance for Cardiovascular phenotype; Hereditary cancer-predisposing syndrome. Last evaluated: 2024-09-26. Review status: criteria provided, single submitter. Criteria: Ambry Variant Classification Scheme 2023. Collection method: clinical testing. Allele origin: germline.
Comment: The p.R2328L variant (also known as c.6983G>T), located in coding exon 46 of the NF1 gene, results from a G to T substitution at nucleotide position 6983. The arginine at codon 2328 is replaced by leucine, an amino acid with dissimilar properties. This amino acid position is well conserved in available vertebrate species. In addition, this alteration is predicted to be tolerated by in silico analysis. Based on the available evidence, the clinical significance of this variant remains unclear.

Genome-Nilou Lab
Classification: Uncertain significance for Neurofibromatosis, type 1. Last evaluated: 2022-03-15. Review status: criteria provided, single submitter. Criteria: ACMG Guidelines, 2015. Collection method: clinical testing. Allele origin: germline. Affected: no.

Literature cited by the submitters: PubMed 30287823 (cited by Ambry Genetics).